The following is an entry in ClinVar:

ClinVar aggregate classification (germline): Uncertain significance (1 of 4 stars; one submission).

Conditions:
Familial hemophagocytic lymphohistiocytosis 4 (FHL4). Also called: STX11-Related Familial Hemophagocytic Lymphohistiocytosis (STX11-fHLH). Identifiers: Orphanet 540, MedGen C1863728, MONDO:0011336, OMIM 603552.

gnomAD v4.1: 2 of 1,613,746 alleles (0.00012%); highest among the groups gnomAD compares: Non-Finnish European, 0.00017%; no homozygotes.

Submission:

Labcorp Genetics (formerly Invitae), Labcorp
Classification: Uncertain significance for Familial hemophagocytic lymphohistiocytosis 4. Last evaluated: 2021-08-17. Review status: criteria provided, single submitter. Criteria: Invitae Variant Classification Sherloc (09022015). Collection method: clinical testing. Allele origin: germline.
Comment: In summary, the available evidence is currently insufficient to determine the role of this variant in disease. Therefore, it has been classified as a Variant of Uncertain Significance. Algorithms developed to predict the effect of missense changes on protein structure and function are either unavailable or do not agree on the potential impact of this missense change (SIFT: "Deleterious"; PolyPhen-2: "Probably Damaging"; Align-GVGD: "Class C0"). This variant has not been reported in the literature in individuals affected with STX11-related conditions. This variant is not present in population databases (ExAC no frequency). This sequence change replaces valine with methionine at codon 62 of the STX11 protein (p.Val62Met). The valine residue is highly conserved and there is a small physicochemical difference between valine and methionine.

NM_003764.4(STX11):c.184G>A (p.Val62Met)

Gene: STX11 (syntaxin 11; plus strand). Cytogenetic location: 6q24.2.
Variant type: single nucleotide variant.
Coding change: c.184G>A on transcript NM_003764.4 (MANE Select); coding-DNA position 184, G replaced by A.
Protein change: p.Val62Met; replaces valine 62 with methionine.
Molecular consequence: missense variant.
Genome position (GRCh38, 1-based): chr6:144,186,811, G>A. VCF-style: chr6-144186811-G-A. GRCh37 (hg19) VCF-style: chr6-144507948-G-A.
Other names: short protein forms V62M.
Identifiers: ClinVar variation 1375720 (VCV001375720.6), dbSNP rs776227989, ClinGen allele CA365948706.